The following is an entry in ClinVar:

ClinVar aggregate classification (germline): Uncertain significance. Review status: criteria provided, multiple submitters, no conflicts (2 of 4 stars). 2 submissions from 2 submitters: Uncertain significance (2). Last evaluated 2022-08-03.

Conditions:
H syndrome. Also called: Histiocytosis with joint contractures and sensorineural deafness; Asrar Facharzt Haque syndrome; HISTIOCYTOSIS AND LYMPHADENOPATHY WITH OR WITHOUT CUTANEOUS, CARDIAC, AND/OR ENDOCRINE FEATURES, JOINT CONTRACTURES, AND/OR DEAFNESS; HYPERPIGMENTATION, CUTANEOUS, WITH HYPERTRICHOSIS, HEPATOSPLENOMEGALY, HEART ANOMALIES, AND HYPOGONADISM WITH OR WITHOUT HEARING LOSS; PIGMENTED HYPERTRICHOSIS WITH INSULIN-DEPENDENT DIABETES MELLITUS; ROSAI-DORFMAN DISEASE, FAMILIAL. Identifiers: Orphanet 168569, MedGen C1864445, MONDO:0011273, OMIM 602782.
Inborn genetic diseases. Identifiers: MedGen C0950123, MeSH D030342.

Allele frequency attached by ClinVar (database versions not stated): TOPMed 0.00003; ExAC 0.00001; ESP Exome Variant Server 0.00008; gnomAD exomes 0.00001; gnomAD 0.00003.
gnomAD v4.1: 26 of 1,613,832 alleles (0.0016%); highest among the groups gnomAD compares: African/African-American, 0.004%; no homozygotes.

Submissions (2):

Labcorp Genetics (formerly Invitae), Labcorp
Classification: Uncertain significance for H syndrome. Last evaluated: 2022-08-03. Review status: criteria provided, single submitter. Criteria: Invitae Variant Classification Sherloc (09022015). Collection method: clinical testing. Allele origin: germline.
Comment: This sequence change replaces alanine, which is neutral and non-polar, with valine, which is neutral and non-polar, at codon 121 of the SLC29A3 protein (p.Ala121Val). The frequency data for this variant in the population databases is considered unreliable, as metrics indicate poor data quality at this position in the gnomAD database. This variant has not been reported in the literature in individuals affected with SLC29A3-related conditions. Algorithms developed to predict the effect of missense changes on protein structure and function (SIFT, PolyPhen-2, Align-GVGD) all suggest that this variant is likely to be tolerated. In summary, the available evidence is currently insufficient to determine the role of this variant in disease. Therefore, it has been classified as a Variant of Uncertain Significance.

Ambry Genetics
Classification: Uncertain significance for Inborn genetic diseases. Last evaluated: 2022-06-28. Review status: criteria provided, single submitter. Criteria: Ambry Variant Classification Scheme 2023. Collection method: clinical testing. Allele origin: germline.

NM_018344.6(SLC29A3):c.362C>T (p.Ala121Val)

Genes: SLC29A3 (solute carrier family 29 member 3; plus strand), LOC105378353 (uncharacterized LOC105378353; minus strand). Cytogenetic location: 10q22.1.
Variant type: single nucleotide variant.
Coding change: c.362C>T on transcript NM_018344.6 (MANE Select); coding-DNA position 362, C replaced by T.
Protein change: p.Ala121Val; replaces alanine 121 with valine.
Molecular consequence: missense variant.
Genome position (GRCh38, 1-based): chr10:71,344,270, C>T. VCF-style: chr10-71344270-C-T. GRCh37 (hg19) VCF-style: chr10-73104027-C-T.
Other names: c.362C>T, p.Ala121Val (NM_001174098.2); c.128C>T, p.Ala43Val (NM_001363518.2); short protein forms A43V, A121V.
Identifiers: ClinVar variation 1923671 (VCV001923671.3), dbSNP rs371704163, ClinGen allele CA5542902.